The following is an entry in ClinVar:

ClinVar aggregate classification (germline): Uncertain significance (1 of 4 stars; one submission).

Conditions:
Hereditary cancer-predisposing syndrome. Also called: Neoplastic Syndromes, Hereditary; Tumor predisposition; Hereditary Cancer Syndrome; Hereditary neoplastic syndrome. Identifiers: Orphanet 140162, MedGen C0027672, MeSH D009386, MONDO:0015356.

Allele frequency attached by ClinVar (database versions not stated): gnomAD exomes below 0.00001.
gnomAD v4.1: 1 of 1,613,320 alleles (0.000062%); highest among the groups gnomAD compares: African/African-American, 0.0013%; no homozygotes.

Submission:

Ambry Genetics
Classification: Uncertain significance for Hereditary cancer-predisposing syndrome. Last evaluated: 2022-09-27. Review status: criteria provided, single submitter. Criteria: Ambry Variant Classification Scheme 2023. Collection method: clinical testing. Allele origin: germline.
Comment: The c.719-4A>G intronic variant results from an A to G substitution 4 nucleotides upstream from coding exon 8 in the RB1 gene. This nucleotide position is not well conserved in available vertebrate species. In silico splice site analysis for this alteration is inconclusive. Since supporting evidence is limited at this time, the clinical significance of this alteration remains unclear.

NM_000321.3(RB1):c.719-4A>G

Gene: RB1 (RB transcriptional corepressor 1; plus strand). Cytogenetic location: 13q14.2.
Variant type: single nucleotide variant.
Coding change: c.719-4A>G on transcript NM_000321.3 (MANE Select); 4 bases into the intron before coding-DNA position 719, A replaced by G.
Molecular consequence: intron variant.
Genome position (GRCh38, 1-based): chr13:48,362,811, A>G. VCF-style: chr13-48362811-A-G. GRCh37 (hg19) VCF-style: chr13-48936947-A-G.
Identifiers: ClinVar variation 1757602 (VCV001757602.2), dbSNP rs2138112038, ClinGen allele CA2580087577.